The following is an entry in ClinVar:

NM_002485.5(NBN):c.388C>G (p.Gln130Glu)

Gene: NBN (nibrin; minus strand). Cytogenetic location: 8q21.3.
Variant type: single nucleotide variant.
Coding change: c.388C>G on transcript NM_002485.5 (MANE Select); coding-DNA position 388, C replaced by G.
Protein change: p.Gln130Glu; replaces glutamine 130 with glutamic acid.
Molecular consequence: missense variant.
Genome position (GRCh38, 1-based): chr8:89,980,826, G>C on the plus strand (C>G on the coding strand, the complement: NBN is on the minus strand). VCF-style: chr8-89980826-G-C. GRCh37 (hg19) VCF-style: chr8-90993054-G-C.
Other names: c.142C>G, p.Gln48Glu (NM_001024688.3); short protein forms Q130E, Q48E.
Identifiers: ClinVar variation 659665 (VCV000659665.24), dbSNP rs1586107038, ClinGen allele CA371661968.

ClinVar aggregate classification (germline): Uncertain significance. Review status: criteria provided, multiple submitters, no conflicts (2 of 4 stars). 5 submissions from 5 submitters: Uncertain significance (4). 1 of the submissions does not count toward it. Last evaluated 2025-10-18.

Conditions:
Hereditary cancer-predisposing syndrome. Also called: Neoplastic Syndromes, Hereditary; Hereditary neoplastic syndrome; Hereditary Cancer Syndrome; Tumor predisposition. Identifiers: Orphanet 140162, MedGen C0027672, MeSH D009386, MONDO:0015356.
Aplastic anemia. Identifiers: Orphanet 182040, Orphanet 88, MedGen C0002874, MONDO:0015909, OMIM 609135, HP:0001915.
Microcephaly, normal intelligence and immunodeficiency (NBS). Also called: BERLIN BREAKAGE SYNDROME; Immunodeficiency, microcephaly with normal intelligence; SEEMANOVA SYNDROME II; Ataxia telangiectasia variant V1; Nijmegen breakage syndrome; IMMUNODEFICIENCY, MICROCEPHALY, AND CHROMOSOMAL INSTABILITY. Identifiers: Orphanet 647, MedGen C0398791, MONDO:0009623, OMIM 251260.

Submissions (5):

Labcorp Genetics (formerly Invitae), Labcorp
Classification: Uncertain significance for Microcephaly, normal intelligence and immunodeficiency. Last evaluated: 2025-10-18. Review status: criteria provided, single submitter. Criteria: Invitae Variant Classification Sherloc (09022015). Collection method: clinical testing. Allele origin: germline.
Comment: This sequence change replaces glutamine, which is neutral and polar, with glutamic acid, which is acidic and polar, at codon 130 of the NBN protein (p.Gln130Glu). This variant is not present in population databases (gnomAD no frequency). This variant has not been reported in the literature in individuals affected with NBN-related conditions. ClinVar contains an entry for this variant (Variation ID: 659665). An algorithm developed to predict the effect of missense changes on protein structure and function outputs the following: PolyPhen-2: "Benign". The glutamic acid amino acid residue is found in multiple mammalian species, which suggests that this missense change does not adversely affect protein function. In summary, the available evidence is currently insufficient to determine the role of this variant in disease. Therefore, it has been classified as a Variant of Uncertain Significance.

Ambry Genetics
Classification: Uncertain significance for Hereditary cancer-predisposing syndrome. Last evaluated: 2025-07-02. Review status: criteria provided, single submitter. Criteria: Ambry Variant Classification Scheme 2023. Collection method: clinical testing. Allele origin: germline.
Comment: The p.Q130E variant (also known as c.388C>G), located in coding exon 4 of the NBN gene, results from a C to G substitution at nucleotide position 388. The glutamine at codon 130 is replaced by glutamic acid, an amino acid with highly similar properties. This amino acid position is well conserved in available vertebrate species. In addition, this alteration is predicted to be tolerated by in silico analysis. Since supporting evidence is limited at this time, the clinical significance of this alteration remains unclear.

Baylor Genetics
Classification: Uncertain significance for Aplastic anemia. Last evaluated: 2023-08-14. Review status: criteria provided, single submitter. Criteria: ACMG Guidelines, 2015. Collection method: clinical testing. Allele origin: unknown.

Genome-Nilou Lab
Classification: Uncertain significance for Microcephaly, normal intelligence and immunodeficiency. Last evaluated: 2021-11-07. Review status: criteria provided, single submitter. Criteria: ACMG Guidelines, 2015. Collection method: clinical testing. Allele origin: germline. Affected: no.

Natera, Inc.
Classification: Uncertain significance for Nijmegen breakage syndrome. Last evaluated: 2020-10-13. Review status: no assertion criteria provided. Collection method: clinical testing. Allele origin: germline. Not counted in ClinVar's aggregate classification.